The following is an entry in ClinVar:

NM_015192.4(PLCB1):c.2088C>T (p.Tyr696=)

Gene: PLCB1 (phospholipase C beta 1; plus strand). Cytogenetic location: 20p12.3.
Variant type: single nucleotide variant.
Coding change: c.2088C>T on transcript NM_015192.4 (MANE Select); coding-DNA position 2088, C replaced by T.
Protein change: p.Tyr696=; no amino-acid change (tyrosine 696 retained).
Molecular consequence: synonymous variant.
Genome position (GRCh38, 1-based): chr20:8,737,072, C>T. VCF-style: chr20-8737072-C-T. GRCh37 (hg19) VCF-style: chr20-8717719-C-T.
Other names: c.2088C>T, p.Tyr696= (NM_182734.3).
Identifiers: ClinVar variation 195514 (VCV000195514.47), dbSNP rs189186909, ClinGen allele CA241958.

ClinVar aggregate classification (germline): Conflicting classifications of pathogenicity. Review status: criteria provided, conflicting classifications (1 of 4 stars). 6 submissions from 6 submitters: Uncertain significance (2); Likely benign (4). Last evaluated 2025-11-24.

Conditions:
Inborn genetic diseases. Identifiers: MedGen C0950123, MeSH D030342.
Developmental and epileptic encephalopathy, 12 (DEE12). Identifiers: MedGen C3150988, MONDO:0013389, OMIM 613722.

Allele frequency attached by ClinVar (database versions not stated): ESP Exome Variant Server 0.00008; gnomAD 0.00013 and 0.00017; TOPMed 0.00015; gnomAD exomes 0.00018 and 0.00033; ExAC 0.00026; 1000 Genomes Project 0.00040; 1000 Genomes Project 30x 0.00047.
gnomAD v4.1: 294 of 1,613,164 alleles (0.018%); highest among the groups gnomAD compares: Middle Eastern, 0.099%; 2 homozygotes.

Submissions (6):

Labcorp Genetics (formerly Invitae), Labcorp
Classification: Likely benign for Developmental and epileptic encephalopathy, 12. Last evaluated: 2025-11-24. Review status: criteria provided, single submitter. Criteria: Invitae Variant Classification Sherloc (09022015). Collection method: clinical testing. Allele origin: germline.

Blueprint Genetics
Classification: Likely benign. Last evaluated: 2024-11-25. Review status: criteria provided, single submitter. Criteria: ACMG Guidelines, 2015. Collection method: clinical testing. Allele origin: germline.

CeGaT Center for Human Genetics Tuebingen
Classification: Likely benign. Last evaluated: 2023-01-01. Review status: criteria provided, single submitter. Criteria: CeGaT Center For Human Genetics Tuebingen Variant Classification Criteria Version 2. Collection method: clinical testing. Allele origin: germline. Affected: yes. Observed: 2 variant alleles.
Comment: PLCB1: BP4, BP7

Ambry Genetics
Classification: Likely benign for Inborn genetic diseases. Last evaluated: 2018-12-01. Review status: criteria provided, single submitter. Criteria: Ambry Variant Classification Scheme 2023. Collection method: clinical testing. Allele origin: germline.

Illumina Laboratory Services, Illumina
Classification: Uncertain significance for Developmental and epileptic encephalopathy, 12. Last evaluated: 2018-01-12. Review status: criteria provided, single submitter. Criteria: ICSL Variant Classification Criteria 13 December 2019. Collection method: clinical testing. Allele origin: germline.

Eurofins Ntd Llc (ga)
Classification: Uncertain significance. Last evaluated: 2014-12-08. Review status: criteria provided, single submitter. Criteria: EGL Classification Definitions 2015. Collection method: clinical testing. Allele origin: germline. Observed: 1 variant allele, 1 heterozygote.